The following is an entry in ClinVar:

ClinVar aggregate classification (germline): Uncertain significance (1 of 4 stars; one submission).

Conditions:
Deficiency of alpha-mannosidase (MANSA). Also called: Alpha-Mannosidosis; LYSOSOMAL ALPHA-D-MANNOSIDASE DEFICIENCY; Mannosidosis, alpha-, types I and II. Identifiers: Orphanet 61, MedGen C0024748, MONDO:0009561, OMIM 248500.

Allele frequency attached by ClinVar (database versions not stated): TOPMed 0.00001; gnomAD exomes 0.00002; ExAC 0.00004; 1000 Genomes Project 30x 0.00016.
gnomAD v4.1: 18 of 1,614,122 alleles (0.0011%); highest among the groups gnomAD compares: South Asian, 0.015%; no homozygotes.

Submission:

Labcorp Genetics (formerly Invitae), Labcorp
Classification: Uncertain significance for Deficiency of alpha-mannosidase. Last evaluated: 2021-12-08. Review status: criteria provided, single submitter. Criteria: Invitae Variant Classification Sherloc (09022015). Collection method: clinical testing. Allele origin: germline.
Comment: This sequence change replaces asparagine, which is neutral and polar, with serine, which is neutral and polar, at codon 367 of the MAN2B1 protein (p.Asn367Ser). This variant is present in population databases (rs771528526, gnomAD 0.02%). This variant has not been reported in the literature in individuals affected with MAN2B1-related conditions. Algorithms developed to predict the effect of missense changes on protein structure and function are either unavailable or do not agree on the potential impact of this missense change (SIFT: "Tolerated"; PolyPhen-2: "Possibly Damaging"; Align-GVGD: "Class C0"). In summary, the available evidence is currently insufficient to determine the role of this variant in disease. Therefore, it has been classified as a Variant of Uncertain Significance.

NM_000528.4(MAN2B1):c.1100A>G (p.Asn367Ser)

Gene: MAN2B1 (mannosidase alpha class 2B member 1; minus strand). Cytogenetic location: 19p13.13.
Variant type: single nucleotide variant.
Coding change: c.1100A>G on transcript NM_000528.4 (MANE Select); coding-DNA position 1100, A replaced by G.
Protein change: p.Asn367Ser; replaces asparagine 367 with serine.
Molecular consequence: missense variant.
Genome position (GRCh38, 1-based): chr19:12,658,437, T>C on the plus strand (A>G on the coding strand, the complement: MAN2B1 is on the minus strand). VCF-style: chr19-12658437-T-C. GRCh37 (hg19) VCF-style: chr19-12769251-T-C.
Other names: c.1097A>G, p.Asn366Ser (NM_001173498.2); short protein forms N367S, N366S.
Identifiers: ClinVar variation 1413617 (VCV001413617.3), dbSNP rs771528526, ClinGen allele CA9226602.